The following is an entry in ClinVar:

NM_001032283.3(TMPO):c.497C>A (p.Ser166Tyr)

Gene: TMPO (thymopoietin; plus strand). Cytogenetic location: 12q23.1.
Variant type: single nucleotide variant.
Coding change: c.497C>A on transcript NM_001032283.3 (MANE Select); coding-DNA position 497, C replaced by A.
Protein change: p.Ser166Tyr; replaces serine 166 with tyrosine.
Molecular consequence: missense variant.
Genome position (GRCh38, 1-based): chr12:98,531,770, C>A. VCF-style: chr12-98531770-C-A. GRCh37 (hg19) VCF-style: chr12-98925548-C-A.
Other names: p.S166Y:TCT>TAT; c.497C>A, p.Ser166Tyr (NM_001032284.3, NM_001307975.2, NM_003276.2); short protein forms S166Y.
Identifiers: ClinVar variation 202141 (VCV000202141.14), dbSNP rs147012167, ClinGen allele CA308914.
Genomic context (GRCh38, chr12:98,531,770, plus strand): 5'-TTTTGAAACTGAGGGAACAAGGAACAGAATCAAGATCTTCTACTCCTCTGCCAACAATTT[C>A]TTCTTCAGCAGAAAATACAAGGCAGAATGGAAGTAATGATTCTGACAGATACAGTGACAA-3'
Protein context (NP_001027454.1, residues 156-176): SRSSTPLPTI[Ser166Tyr]SSAENTRQNG

ClinVar aggregate classification (germline): Uncertain significance. Review status: criteria provided, multiple submitters, no conflicts (2 of 4 stars). 3 submissions from 3 submitters: Uncertain significance (3). Last evaluated 2026-05-25.

Conditions:
Loeys-Dietz syndrome 2 (LDS2). Also called: Marfan Syndrome type 2; Marfan like connective tissue disorder; MFS 2; AORTIC ANEURYSM, FAMILIAL THORACIC 3; Marfan syndrome, type 2 (formerly); TGFBR2-Related Loeys-Dietz Syndrome. Identifiers: Orphanet 284973, Orphanet 558, MedGen C2674574, MONDO:0012427, OMIM 610168.

Allele frequency attached by ClinVar (database versions not stated): gnomAD exomes 0.00001; TOPMed 0.00003; ExAC 0.00002; gnomAD 0.00002; ESP Exome Variant Server 0.00008.
gnomAD v4.1: 71 of 1,613,718 alleles (0.0044%); highest among the groups gnomAD compares: Non-Finnish European, 0.0054%; no homozygotes.

Submissions (3):

Women's Health and Genetics/Laboratory Corporation of America, LabCorp
Classification: Uncertain significance. Last evaluated: 2026-05-25. Review status: criteria provided, single submitter. Criteria: LabCorp Variant Classification Summary - May 2015. Collection method: clinical testing. Allele origin: germline.

Labcorp Genetics (formerly Invitae), Labcorp
Classification: Uncertain significance for Loeys-Dietz syndrome 2. Last evaluated: 2025-04-08. Review status: criteria provided, single submitter. Criteria: Invitae Variant Classification Sherloc (09022015). Collection method: clinical testing. Allele origin: germline.
Comment: This sequence change replaces serine, which is neutral and polar, with tyrosine, which is neutral and polar, at codon 166 of the TMPO protein (p.Ser166Tyr). This variant is present in population databases (rs147012167, gnomAD 0.004%). This variant has not been reported in the literature in individuals affected with TMPO-related conditions. ClinVar contains an entry for this variant (Variation ID: 202141). An algorithm developed to predict the effect of missense changes on protein structure and function (PolyPhen-2) suggests that this variant is likely to be disruptive. In summary, the available evidence is currently insufficient to determine the role of this variant in disease. Therefore, it has been classified as a Variant of Uncertain Significance.

GeneDx
Classification: Uncertain significance. Last evaluated: 2014-04-30. Review status: criteria provided, single submitter. Criteria: GeneDx Variant Classification (06012015). Collection method: clinical testing. Allele origin: germline. Affected: yes.
Comment: A variant of unknown significance has been identified in the TMPO gene. The S166Y variant has not been reported as a disease-causing mutation or as a benign polymorphism to our knowledge. The S166Y variant is a semi-conservative amino acid substitution as these residues share similar properties, but differ in size, charge, or other properties which may impact secondary structure. S166 is not well conserved across species. In silico analysis predicts S166Y is damaging to the protein structure/function. The S166Y variant was not observed with any significant frequency in approximately 6,500 individuals of European and African American ancestry in the NHLBI Exome Sequencing Project. However, no mutations in nearby residues have been reported in association with cardiomyopathy, suggesting this region of the protein may be tolerant to change. The variant is found in CARDIOMYOPATHY panel(s).